The following is an entry in ClinVar:

NM_025179.4(PLXNA2):c.3645C>T (p.His1215=)

Gene: PLXNA2 (plexin A2; minus strand). Cytogenetic location: 1q32.2.
Variant type: single nucleotide variant.
Coding change: c.3645C>T on transcript NM_025179.4 (MANE Select); coding-DNA position 3645, C replaced by T.
Protein change: p.His1215=; no amino-acid change (histidine 1215 retained).
Molecular consequence: synonymous variant.
Genome position (GRCh38, 1-based): chr1:208,044,737, G>A on the plus strand (C>T on the coding strand, the complement: PLXNA2 is on the minus strand). VCF-style: chr1-208044737-G-A. GRCh37 (hg19) VCF-style: chr1-208218082-G-A.
Other names: c.3645C>T (NM_025179.3).
Identifiers: ClinVar variation 2181447 (VCV002181447.6), dbSNP rs146439640, ClinGen allele CA1373105.
Genomic context (GRCh38, chr1:208,044,737, plus strand): 5'-GGTCAGCAAGCTGTCTGAGATGACACTCACCGAGCCAGGCGAGAACACCATCCCGCCCAC[G>A]TGAACCTGTGCATTGTACACATACAGACGCACATGGATGCACACAGGTGTAGAGCCCGGG-3'
Protein context (NP_079455.3, residues 1205-1225): NLTGQHKVMV[His1215=]VGGMVFSPGS

ClinVar aggregate classification (germline): Likely benign. Review status: criteria provided, single submitter (1 of 4 stars). 2 submissions from 2 submitters: Likely benign (1). 1 of the submissions does not count toward it. Last evaluated 2025-09-08.

Conditions:
PLXNA2-related disorder. Also called: PLXNA2-related condition.

Allele frequency attached by ClinVar (database versions not stated): ExAC 0.00007; gnomAD 0.00007; ESP Exome Variant Server 0.00008; TOPMed 0.00008.
gnomAD v4.1: 90 of 1,612,106 alleles (0.0056%); highest among the groups gnomAD compares: East Asian, 0.011%; no homozygotes.

Submissions (2):

Labcorp Genetics (formerly Invitae), Labcorp
Classification: Likely benign. Last evaluated: 2025-09-08. Review status: criteria provided, single submitter. Criteria: Invitae Variant Classification Sherloc (09022015). Collection method: clinical testing. Allele origin: germline.

PreventionGenetics, part of Exact Sciences
Classification: Likely benign for PLXNA2-related condition. Last evaluated: 2023-12-15. Review status: no assertion criteria provided. Collection method: clinical testing. Allele origin: germline. Not counted in ClinVar's aggregate classification.
Comment: This variant is classified as likely benign based on ACMG/AMP sequence variant interpretation guidelines (Richards et al. 2015 PMID: 25741868, with internal and published modifications).